The following is an entry in ClinVar:

ClinVar aggregate classification (germline): Conflicting classifications of pathogenicity. Review status: criteria provided, conflicting classifications (1 of 4 stars). 2 submissions from 2 submitters: Uncertain significance (1); Likely benign (1). Last evaluated 2023-03-23.

Conditions:
Hereditary cancer-predisposing syndrome. Also called: Neoplastic Syndromes, Hereditary; Hereditary Cancer Syndrome; Hereditary neoplastic syndrome; Tumor predisposition. Identifiers: Orphanet 140162, MedGen C0027672, MeSH D009386, MONDO:0015356.
Hereditary breast ovarian cancer syndrome. Also called: Hereditary breast and ovarian cancer syndrome; BRCA1- and BRCA2-Associated Hereditary Breast and Ovarian Cancer; Hereditary breast and ovarian cancer; Hereditary breast and/or ovarian cancer syndrome; Hereditary breast and ovarian cancer syndrome (HBOC); Breast and ovarian cancer. Identifiers: Orphanet 145, MedGen C0677776, MeSH D061325, MONDO:0003582. Disease mechanism: loss of function.

Allele frequency attached by ClinVar (database versions not stated): gnomAD exomes below 0.00001.
gnomAD v4.1: 1 of 1,585,476 alleles (0.000063%); highest among the groups gnomAD compares: Non-Finnish European, 0.000086%; no homozygotes.

Submissions (2):

University of Washington Department of Laboratory Medicine, University of Washington
Classification: Likely benign for Hereditary cancer-predisposing syndrome. Last evaluated: 2023-03-23. Review status: criteria provided, single submitter. Criteria: Dines et al. (Genet Med. 2020). Collection method: curation. Allele origin: germline.
Comment: Missense variant in a coldspot region where missense variants are very unlikely to be pathogenic (PMID:31911673).

BRCA2 exon 11 coldspot. Reclassification based on statistical prior probability.

Labcorp Genetics (formerly Invitae), Labcorp
Classification: Uncertain significance for Hereditary breast ovarian cancer syndrome. Last evaluated: 2022-03-11. Review status: criteria provided, single submitter. Criteria: Invitae Variant Classification Sherloc (09022015). Collection method: clinical testing. Allele origin: germline.
Comment: This variant is not present in population databases (gnomAD no frequency). In summary, the available evidence is currently insufficient to determine the role of this variant in disease. Therefore, it has been classified as a Variant of Uncertain Significance. Advanced modeling of protein sequence and biophysical properties (such as structural, functional, and spatial information, amino acid conservation, physicochemical variation, residue mobility, and thermodynamic stability) performed at Invitae indicates that this missense variant is not expected to disrupt BRCA2 protein function. This variant has not been reported in the literature in individuals affected with BRCA2-related conditions. This sequence change replaces serine, which is neutral and polar, with cysteine, which is neutral and slightly polar, at codon 1331 of the BRCA2 protein (p.Ser1331Cys).

NM_000059.4(BRCA2):c.3992C>G (p.Ser1331Cys)

Gene: BRCA2 (BRCA2 DNA repair associated; plus strand). Cytogenetic location: 13q13.1.
Variant type: single nucleotide variant.
Coding change: c.3992C>G on transcript NM_000059.4 (MANE Select); coding-DNA position 3992, C replaced by G.
Protein change: p.Ser1331Cys; replaces serine 1331 with cysteine.
Molecular consequence: missense variant.
Genome position (GRCh38, 1-based): chr13:32,338,347, C>G. VCF-style: chr13-32338347-C-G. GRCh37 (hg19) VCF-style: chr13-32912484-C-G.
Other names: c.3992C>G, p.Ser1331Cys (NM_001406719.1, NM_001406720.1); short protein forms S1331C.
Identifiers: ClinVar variation 2108938 (VCV002108938.6), dbSNP rs2137501864, ClinGen allele CA387778977.